The following is an entry in ClinVar:

NM_015662.3(IFT172):c.4095C>T (p.Ile1365=)

Gene: IFT172 (intraflagellar transport 172; minus strand). Cytogenetic location: 2p23.3.
Variant type: single nucleotide variant.
Coding change: c.4095C>T on transcript NM_015662.3 (MANE Select); coding-DNA position 4095, C replaced by T.
Protein change: p.Ile1365=; no amino-acid change (isoleucine 1365 retained).
Molecular consequence: synonymous variant.
Genome position (GRCh38, 1-based): chr2:27,449,756, G>A on the plus strand (C>T on the coding strand, the complement: IFT172 is on the minus strand). VCF-style: chr2-27449756-G-A. GRCh37 (hg19) VCF-style: chr2-27672623-G-A.
Identifiers: ClinVar variation 723085 (VCV000723085.15), dbSNP rs747729113, ClinGen allele CA1579724.

ClinVar aggregate classification (germline): Likely benign. Review status: criteria provided, multiple submitters, no conflicts (2 of 4 stars). 4 submissions from 4 submitters: Likely benign (3). 1 of the submissions does not count toward it. Last evaluated 2025-01-26.

Conditions:
Short-rib thoracic dysplasia 10 with or without polydactyly (SRTD10). Identifiers: Orphanet 474, MedGen C3810175, MONDO:0014284, OMIM 615630.
Retinitis pigmentosa 71 (RP71). Identifiers: Orphanet 791, MedGen C4225342, MONDO:0014618, OMIM 616394.
Bardet-Biedl syndrome 20. Identifiers: MedGen C4310707, MONDO:0023670, OMIM 619471, MONDO:0014926.
IFT172-related disorder. Also called: IFT172-related disorders; IFT172-related condition.

Allele frequency attached by ClinVar (database versions not stated): TOPMed below 0.00001; ExAC 0.00001; gnomAD 0.00001; gnomAD exomes 0.00001.
gnomAD v4.1: 15 of 1,613,828 alleles (0.00093%); highest among the groups gnomAD compares: South Asian, 0.0022%; no homozygotes.

Submissions (4):

Labcorp Genetics (formerly Invitae), Labcorp
Classification: Likely benign for Retinitis pigmentosa 71; Short-rib thoracic dysplasia 10 with or without polydactyly. Last evaluated: 2025-01-26. Review status: criteria provided, single submitter. Criteria: Invitae Variant Classification Sherloc (09022015). Collection method: clinical testing. Allele origin: germline.

Blueprint Genetics
Classification: Likely benign. Last evaluated: 2024-10-10. Review status: criteria provided, single submitter. Criteria: ACMG Guidelines, 2015. Collection method: clinical testing. Allele origin: germline.

Fulgent Genetics
Classification: Likely benign for Short-rib thoracic dysplasia 10 with or without polydactyly; Retinitis pigmentosa 71; Bardet-Biedl syndrome 20. Last evaluated: 2021-12-20. Review status: criteria provided, single submitter. Criteria: ACMG Guidelines, 2015. Collection method: clinical testing. Allele origin: unknown.

PreventionGenetics, part of Exact Sciences
Classification: Likely benign for IFT172-related condition. Last evaluated: 2021-01-19. Review status: no assertion criteria provided. Collection method: clinical testing. Allele origin: germline. Not counted in ClinVar's aggregate classification.
Comment: This variant is classified as likely benign based on ACMG/AMP sequence variant interpretation guidelines (Richards et al. 2015 PMID: 25741868, with internal and published modifications).